The following is an entry in ClinVar:

NM_005045.4(RELN):c.5907T>C (p.Asn1969=)

Gene: RELN (reelin; minus strand). Cytogenetic location: 7q22.1.
Variant type: single nucleotide variant.
Coding change: c.5907T>C on transcript NM_005045.4 (MANE Select); coding-DNA position 5907, T replaced by C.
Protein change: p.Asn1969=; no amino-acid change (asparagine 1969 retained).
Molecular consequence: synonymous variant.
Genome position (GRCh38, 1-based): chr7:103,553,722, A>G on the plus strand (T>C on the coding strand, the complement: RELN is on the minus strand). VCF-style: chr7-103553722-A-G. GRCh37 (hg19) VCF-style: chr7-103194169-A-G.
Other names: c.5907T>C, p.Asn1969= (NM_173054.3).
Identifiers: ClinVar variation 2145191 (VCV002145191.11), dbSNP rs1314313326, ClinGen allele CA457015077.

ClinVar aggregate classification (germline): Likely benign. Review status: criteria provided, multiple submitters, no conflicts (2 of 4 stars). 2 submissions from 2 submitters: Likely benign (2). Last evaluated 2025-04-01.

Conditions:
Familial temporal lobe epilepsy 7. Identifiers: Orphanet 101046, MedGen C4225327, MONDO:0014639, OMIM 616436.
Norman-Roberts syndrome (LIS2). Also called: Lissencephaly 2 (Norman-Roberts type). Identifiers: Orphanet 89844, MedGen C0796089, MONDO:0009760, OMIM 257320.

Allele frequency attached by ClinVar (database versions not stated): TOPMed below 0.00001; gnomAD 0.00001; gnomAD exomes 0.00001.
gnomAD v4.1: 12 of 1,614,132 alleles (0.00074%); highest among the groups gnomAD compares: Admixed American, 0.0017%; no homozygotes.

Submissions (2):

CeGaT Center for Human Genetics Tuebingen
Classification: Likely benign. Last evaluated: 2025-04-01. Review status: criteria provided, single submitter. Criteria: CeGaT Center For Human Genetics Tuebingen Variant Classification Criteria Version 2. Collection method: clinical testing. Allele origin: germline. Affected: yes. Observed: 1 variant allele.
Comment: RELN: BP4, BP7

Labcorp Genetics (formerly Invitae), Labcorp
Classification: Likely benign for Familial temporal lobe epilepsy 7; Norman-Roberts syndrome. Last evaluated: 2024-06-15. Review status: criteria provided, single submitter. Criteria: Invitae Variant Classification Sherloc (09022015). Collection method: clinical testing. Allele origin: germline.